The following is an entry in ClinVar:

ClinVar aggregate classification (germline): Pathogenic (3 of 4 stars; one submission).

Conditions:
Lynch syndrome. Identifiers: Orphanet 144, MedGen C4552100, MONDO:0005835. Disease mechanism: loss of function.

Submission:

International Society for Gastrointestinal Hereditary Tumours (InSiGHT)
Classification: Pathogenic for Lynch Syndrome. Last evaluated: 2013-09-05. Review status: reviewed by expert panel. Criteria: Guidelines v1.9. Collection method: research. Allele origin: germline.
Comment: Coding sequence variation resulting in a stop codon

Classified with v1.9 guidelines

NM_000179.3(MSH6):c.3821_3824dup (p.Cys1275Ter)

Gene: MSH6 (mutS homolog 6; plus strand). Cytogenetic location: 2p16.3.
Variant type: Microsatellite.
Coding change: c.3821_3824dup on transcript NM_000179.3 (MANE Select); coding-DNA positions 3821 to 3824, 4 bases duplicated (AATG; older notation c.3821_3824dupAATG).
Protein change: p.Cys1275Ter; replaces cysteine 1275 with a stop codon.
Molecular consequence: nonsense.
Genome position (GRCh38, 1-based): chr2:47,806,471-47,806,474, AATG duplicated; duplicating any 4 consecutive bases within chr2:47,806,467-47,806,474 gives the same sequence; the c. name uses the placement nearest the transcript's 3' end. VCF-style (leftmost placement, unchanged base first): chr2-47806466-A-AAATG. GRCh37 (hg19) VCF-style: chr2-48033605-A-AAATG.
Other names: c.3431_3434dup, p.Cys1145Ter (NM_001281492.2); c.2915_2918dup, p.Cys973Ter (NM_001281493.2, NM_001281494.2); short protein forms C1275*, C1145*, C973*.
Identifiers: ClinVar variation 89471 (VCV000089471.2), dbSNP rs63750262, ClinGen allele CA014446.